The following is an entry in ClinVar:

ClinVar aggregate classification (germline): Benign/Likely benign. Review status: criteria provided, multiple submitters, no conflicts (2 of 4 stars). 2 submissions from 2 submitters: Benign (1); Likely benign (1). Last evaluated 2024-05-20.

Conditions:
Familial adenomatous polyposis 1 (FAP1). Also called: FAMILIAL ADENOMATOUS POLYPOSIS 1, ATTENUATED; POLYPOSIS, ADENOMATOUS INTESTINAL. Identifiers: MedGen C2713442, MONDO:0021056, OMIM 175100. Disease mechanism: loss of function.

Submissions (2):

Labcorp Genetics (formerly Invitae), Labcorp
Classification: Likely benign for Familial adenomatous polyposis 1. Last evaluated: 2024-05-20. Review status: criteria provided, single submitter. Criteria: Invitae Variant Classification Sherloc (09022015). Collection method: clinical testing. Allele origin: germline.

Myriad Genetics, Inc.
Classification: Benign for Familial adenomatous polyposis 1. Last evaluated: 2024-03-15. Review status: criteria provided, single submitter. Criteria: Myriad Autosomal Dominant, Autosomal Recessive and X-Linked Classification Criteria (2023). Collection method: clinical testing. Allele origin: unknown.
Comment: This variant is considered benign. This variant is a silent/synonymous amino acid change and it is not expected to impact splicing.

NM_000038.6(APC):c.2718T>C (p.Ser906=)

Gene: APC (APC regulator of Wnt signaling pathway; plus strand). Cytogenetic location: 5q22.2.
Variant type: single nucleotide variant.
Coding change: c.2718T>C on transcript NM_000038.6 (MANE Select); coding-DNA position 2718, T replaced by C.
Protein change: p.Ser906=; no amino-acid change (serine 906 retained).
Molecular consequence: synonymous variant.
Genome position (GRCh38, 1-based): chr5:112,838,312, T>C. VCF-style: chr5-112838312-T-C. GRCh37 (hg19) VCF-style: chr5-112174009-T-C.
Other names: c.2718T>C, p.Ser906= (NM_001127510.3, NM_001354895.2); c.2664T>C, p.Ser888= (NM_001127511.3); c.2772T>C, p.Ser924= (NM_001354896.2); c.2748T>C, p.Ser916= (NM_001354897.2); c.2643T>C, p.Ser881= (NM_001354898.2); c.2634T>C, p.Ser878= (NM_001354899.2); c.2595T>C, p.Ser865= (NM_001354900.2); c.2541T>C, p.Ser847= (NM_001354901.2); and 5 more.
Identifiers: ClinVar variation 1083244 (VCV001083244.11), dbSNP rs2149875934, ClinGen allele CA445963031.